The following is an entry in ClinVar:

ClinVar aggregate classification (germline): Uncertain significance (1 of 4 stars; one submission).

gnomAD v4.1: 6 of 1,613,526 alleles (0.00037%); highest among the groups gnomAD compares: African/African-American, 0.0053%; no homozygotes.

Submission:

Labcorp Genetics (formerly Invitae), Labcorp
Classification: Uncertain significance. Last evaluated: 2024-10-13. Review status: criteria provided, single submitter. Criteria: Invitae Variant Classification Sherloc (09022015). Collection method: clinical testing. Allele origin: germline.
Comment: This sequence change replaces alanine, which is neutral and non-polar, with valine, which is neutral and non-polar, at codon 6 of the RGR protein (p.Ala6Val). This variant is not present in population databases (gnomAD no frequency). This variant has not been reported in the literature in individuals affected with RGR-related conditions. Experimental studies and prediction algorithms are not available or were not evaluated, and the functional significance of this variant is currently unknown. In summary, the available evidence is currently insufficient to determine the role of this variant in disease. Therefore, it has been classified as a Variant of Uncertain Significance.

NM_001012720.2(RGR):c.17C>T (p.Ala6Val)

Gene: RGR (retinal G protein coupled receptor; plus strand). Cytogenetic location: 10q23.1.
Variant type: single nucleotide variant.
Coding change: c.17C>T on transcript NM_001012720.2 (MANE Select); coding-DNA position 17, C replaced by T.
Protein change: p.Ala6Val; replaces alanine 6 with valine.
Molecular consequence: missense variant.
Genome position (GRCh38, 1-based): chr10:84,245,107, C>T. VCF-style: chr10-84245107-C-T. GRCh37 (hg19) VCF-style: chr10-86004863-C-T.
Other names: c.17C>T, p.Ala6Val (NM_001012722.2, NM_002921.4); short protein forms A6V.
Identifiers: ClinVar variation 3609718 (VCV003609718.2).